The following is an entry in ClinVar:

NM_138704.4(NSMCE3):c.221C>T (p.Ala74Val)

Genes: ENTREP2 (endosomal transmembrane epsin interactor 2; minus strand), NSMCE3 (NSE3 component of SMC5/6 complex; minus strand). Cytogenetic location: 15q13.1.
Variant type: single nucleotide variant.
Coding change: c.221C>T on transcript NM_138704.4 (MANE Select); coding-DNA position 221, C replaced by T.
Protein change: p.Ala74Val; replaces alanine 74 with valine.
Molecular consequence: missense variant. On other transcripts: intron variant (5).
Genome position (GRCh38, 1-based): chr15:29,269,485, G>A on the plus strand (C>T on the coding strand, the complement: NSMCE3 is on the minus strand). VCF-style: chr15-29269485-G-A. GRCh37 (hg19) VCF-style: chr15-29561689-G-A.
Other names: c.-12-17007C>T (NM_001387217.1, NM_001387215.1, NM_001387216.1); c.277-17007C>T (NM_001387214.1, NM_015307.2); short protein forms A74V.
Identifiers: ClinVar variation 4768003 (VCV004768003.1).

ClinVar aggregate classification (germline): Uncertain significance (1 of 4 stars; one submission).

gnomAD v4.1: 2 of 1,610,738 alleles (0.00012%); highest among the groups gnomAD compares: Middle Eastern, 0.017%; no homozygotes.

Submission:

Labcorp Genetics (formerly Invitae), Labcorp
Classification: Uncertain significance. Last evaluated: 2025-10-06. Review status: criteria provided, single submitter. Criteria: Invitae Variant Classification Sherloc (09022015). Collection method: clinical testing. Allele origin: germline.
Comment: This sequence change replaces alanine, which is neutral and non-polar, with valine, which is neutral and non-polar, at codon 74 of the NSMCE3 protein (p.Ala74Val). This variant is not present in population databases (gnomAD no frequency). This variant has not been reported in the literature in individuals affected with NSMCE3-related conditions. Invitae Evidence Modeling of protein sequence and biophysical properties (such as structural, functional, and spatial information, amino acid conservation, physicochemical variation, residue mobility, and thermodynamic stability) indicates that this missense variant is not expected to disrupt NSMCE3 protein function with a negative predictive value of 80%. In summary, the available evidence is currently insufficient to determine the role of this variant in disease. Therefore, it has been classified as a Variant of Uncertain Significance.